The following is an entry in ClinVar:

ClinVar aggregate classification (germline): Uncertain significance (1 of 4 stars; one submission).

Conditions:
Hereditary spastic paraplegia 11. Also called: SPASTIC PARAPLEGIA, AUTOSOMAL RECESSIVE, COMPLICATED, WITH THIN CORPUS CALLOSUM; SPASTIC PARAPLEGIA, AUTOSOMAL RECESSIVE, WITH MENTAL IMPAIRMENT AND THIN CORPUS CALLOSUM; Spastic Paraplegia 11; Nakamura Osame syndrome; Autosomal recessive hereditary spastic paraplegia, mental impairment, and thin corpus callosum; Spastic paraplegia, mental retardation and thin corpus callosum. Identifiers: Orphanet 2822, MedGen C1858479, MONDO:0011445, OMIM 604360.

gnomAD v4.1: 13 of 1,614,160 alleles (0.00081%); highest among the groups gnomAD compares: East Asian, 0.0022%; no homozygotes.

Submission:

Labcorp Genetics (formerly Invitae), Labcorp
Classification: Uncertain significance for Hereditary spastic paraplegia 11. Last evaluated: 2022-06-15. Review status: criteria provided, single submitter. Criteria: Invitae Variant Classification Sherloc (09022015). Collection method: clinical testing. Allele origin: germline.
Comment: This sequence change replaces isoleucine, which is neutral and non-polar, with valine, which is neutral and non-polar, at codon 2336 of the SPG11 protein (p.Ile2336Val). This variant is present in population databases (no rsID available, gnomAD 0.002%). This variant has not been reported in the literature in individuals affected with SPG11-related conditions. Algorithms developed to predict the effect of missense changes on protein structure and function (SIFT, PolyPhen-2, Align-GVGD) all suggest that this variant is likely to be tolerated. In summary, the available evidence is currently insufficient to determine the role of this variant in disease. Therefore, it has been classified as a Variant of Uncertain Significance.

NM_025137.4(SPG11):c.7006A>G (p.Ile2336Val)

Gene: SPG11 (SPG11 vesicle trafficking associated, spatacsin; minus strand). Cytogenetic location: 15q21.1.
Variant type: single nucleotide variant.
Coding change: c.7006A>G on transcript NM_025137.4 (MANE Select); coding-DNA position 7006, A replaced by G.
Protein change: p.Ile2336Val; replaces isoleucine 2336 with valine.
Molecular consequence: missense variant.
Genome position (GRCh38, 1-based): chr15:44,564,692, T>C on the plus strand (A>G on the coding strand, the complement: SPG11 is on the minus strand). VCF-style: chr15-44564692-T-C. GRCh37 (hg19) VCF-style: chr15-44856890-T-C.
Other names: c.6667A>G, p.Ile2223Val (NM_001160227.2); c.6862A>G, p.Ile2288Val (NM_001411132.1); short protein forms I2223V, I2336V, I2288V.
Identifiers: ClinVar variation 2174989 (VCV002174989.1), dbSNP rs932123549, ClinGen allele CA270057475.